The following is an entry in ClinVar:

NM_001347721.2(DYRK1A):c.1818_1823dup (p.His610_Gly611insHisHis)

Gene: DYRK1A (dual specificity tyrosine phosphorylation regulated kinase 1A; plus strand). Cytogenetic location: 21q22.13.
Variant type: Duplication.
Coding change: c.1818_1823dup on transcript NM_001347721.2 (MANE Select); coding-DNA positions 1818 to 1823, 6 bases duplicated (TCACCA; older notation c.1818_1823dupTCACCA).
Protein change: p.His610_Gly611insHisHis.
Molecular consequence: inframe insertion. On other transcripts: 3 prime UTR variant (2).
Genome position (GRCh38, 1-based): chr21:37,512,084-37,512,089, TCACCA duplicated; duplicating any 6 consecutive bases within chr21:37,512,079-37,512,089 gives the same sequence; the c. name uses the placement nearest the transcript's 3' end. VCF-style (leftmost placement, unchanged base first): chr21-37512078-C-CCACCAT. GRCh37 (hg19) VCF-style: chr21-38884381-C-CCACCAT.
Other names: c.1818_1823dup, p.His610_Gly611insHisHis (NM_001347722.2, NM_130436.2); c.1731_1736dup, p.His581_Gly582insHisHis (NM_001347723.2); c.1845_1850dup, p.His619_Gly620insHisHis (NM_001396.5); c.*221_*226dup (NM_101395.2); c.*130_*135dup (NM_130438.2).
Identifiers: ClinVar variation 1903670 (VCV001903670.10), dbSNP rs1454191120, ClinGen allele CA749129179.

ClinVar aggregate classification (germline): Likely benign. Review status: criteria provided, multiple submitters, no conflicts (2 of 4 stars). 2 submissions from 2 submitters: Likely benign (2). Last evaluated 2025-12-01.

Conditions:
DYRK1A-related intellectual disability syndrome (MRD7). Also called: DYRK1A Syndrome; Intellectual developmental disorder, autosomal dominant 7. Identifiers: Orphanet 464306, MedGen C5568143, MONDO:0013578, OMIM 614104.

Submissions (2):

CeGaT Center for Human Genetics Tuebingen
Classification: Likely benign. Last evaluated: 2025-12-01. Review status: criteria provided, single submitter. Criteria: CeGaT Center For Human Genetics Tuebingen Variant Classification Criteria Version 2. Collection method: clinical testing. Allele origin: germline. Affected: yes. Observed: 1 variant allele.
Comment: DYRK1A: BS1

Labcorp Genetics (formerly Invitae), Labcorp
Classification: Likely benign for DYRK1A-related intellectual disability syndrome. Last evaluated: 2024-05-06. Review status: criteria provided, single submitter. Criteria: Invitae Variant Classification Sherloc (09022015). Collection method: clinical testing. Allele origin: germline.